The following is an entry in ClinVar:

NM_001365951.3(KIF1B):c.2935T>C (p.Tyr979His)

Gene: KIF1B (kinesin family member 1B; plus strand). Cytogenetic location: 1p36.22.
Variant type: single nucleotide variant.
Coding change: c.2935T>C on transcript NM_001365951.3 (MANE Select); coding-DNA position 2935, T replaced by C.
Protein change: p.Tyr979His; replaces tyrosine 979 with histidine.
Molecular consequence: missense variant.
Genome position (GRCh38, 1-based): chr1:10,334,530, T>C. VCF-style: chr1-10334530-T-C. GRCh37 (hg19) VCF-style: chr1-10394588-T-C.
Other names: c.2935T>C, p.Tyr979His (NM_001365952.1); c.2797T>C, p.Tyr933His (NM_015074.3); short protein forms Y979H, Y933H.
Identifiers: ClinVar variation 4092337 (VCV004092337.1).

ClinVar aggregate classification (germline): Uncertain significance (1 of 4 stars; one submission).

Submission:

Ambry Genetics
Classification: Uncertain significance. Last evaluated: 2025-07-07. Review status: criteria provided, single submitter. Criteria: Ambry Variant Classification Scheme 2023. Collection method: clinical testing. Allele origin: germline.
Comment: The p.Y933H variant (also known as c.2797T>C), located in coding exon 25 of the KIF1B gene, results from a T to C substitution at nucleotide position 2797. The tyrosine at codon 933 is replaced by histidine, an amino acid with similar properties. This amino acid position is conserved. In addition, this alteration is predicted to be deleterious by in silico analysis. Based on the available evidence, the clinical significance of this variant remains unclear.